The following is an entry in ClinVar:

ClinVar aggregate classification (germline): Uncertain significance (1 of 4 stars; one submission).

gnomAD v4.1: 8 of 1,610,924 alleles (0.0005%); highest among the groups gnomAD compares: Admixed American, 0.013%; 1 homozygote.

Submission:

Labcorp Genetics (formerly Invitae), Labcorp
Classification: Uncertain significance. Last evaluated: 2025-06-30. Review status: criteria provided, single submitter. Criteria: Invitae Variant Classification Sherloc (09022015). Collection method: clinical testing. Allele origin: germline.
Comment: This sequence change replaces arginine, which is basic and polar, with glycine, which is neutral and non-polar, at codon 882 of the DGKZ protein (p.Arg882Gly). This variant is present in population databases (rs767891237, gnomAD 0.03%). This variant has not been reported in the literature in individuals affected with DGKZ-related conditions. ClinVar contains an entry for this variant (Variation ID: 3712433). An algorithm developed to predict the effect of missense changes on protein structure and function (PolyPhen-2) suggests that this variant is likely to be tolerated. In summary, the available evidence is currently insufficient to determine the role of this variant in disease. Therefore, it has been classified as a Variant of Uncertain Significance.

NM_001199267.2(DGKZ):c.2077A>G (p.Arg693Gly)

Gene: DGKZ (diacylglycerol kinase zeta; plus strand). Cytogenetic location: 11p11.2.
Variant type: single nucleotide variant.
Coding change: c.2077A>G on transcript NM_001199267.2 (MANE Select); coding-DNA position 2077, A replaced by G.
Protein change: p.Arg693Gly; replaces arginine 693 with glycine.
Molecular consequence: missense variant.
Genome position (GRCh38, 1-based): chr11:46,376,134, A>G. VCF-style: chr11-46376134-A-G. GRCh37 (hg19) VCF-style: chr11-46397684-A-G.
Other names: c.2644A>G, p.Arg882Gly (NM_001105540.2); c.2080A>G, p.Arg694Gly (NM_001199266.2, NM_003646.4); c.2011A>G, p.Arg671Gly (NM_001199268.2); c.2128A>G, p.Arg710Gly (NM_201532.3); c.2092A>G, p.Arg698Gly (NM_201533.3); short protein forms R671G, R694G, R698G, R882G, R693G, R710G.
Identifiers: ClinVar variation 3712433 (VCV003712433.2).